The following is an entry in ClinVar:

ClinVar aggregate classification (germline): Uncertain significance (1 of 4 stars; one submission).

Submission:

GeneDx
Classification: Uncertain significance. Last evaluated: 2026-04-21. Review status: criteria provided, single submitter. Criteria: GeneDx Variant Classification Process June 2021. Collection method: clinical testing. Allele origin: germline.
Comment: Not observed at significant frequency in large population cohorts (gnomAD); In silico analysis supports that this missense variant has a deleterious effect on protein structure/function; Has not been previously published as pathogenic or benign to our knowledge

NM_000474.4(TWIST1):c.326A>G (p.Gln109Arg)

Gene: TWIST1 (twist family bHLH transcription factor 1; minus strand). Cytogenetic location: 7p21.1.
Variant type: single nucleotide variant.
Coding change: c.326A>G on transcript NM_000474.4 (MANE Select); coding-DNA position 326, A replaced by G.
Protein change: p.Gln109Arg; replaces glutamine 109 with arginine.
Molecular consequence: missense variant. On other transcripts: non-coding transcript variant (1).
Genome position (GRCh38, 1-based): chr7:19,116,996, T>C on the plus strand (A>G on the coding strand, the complement: TWIST1 is on the minus strand). VCF-style: chr7-19116996-T-C. GRCh37 (hg19) VCF-style: chr7-19156619-T-C.
Other names: short protein forms Q109R.
Identifiers: ClinVar variation 5037365 (VCV005037365.1).